The following is an entry in ClinVar:

NM_001244710.2(GFPT1):c.1290dup (p.Arg431fs)

Gene: GFPT1 (glutamine--fructose-6-phosphate transaminase 1; minus strand). Cytogenetic location: 2p13.3.
Variant type: Duplication.
Coding change: c.1290dup on transcript NM_001244710.2 (MANE Select); coding-DNA position 1290, one base duplicated (T; older notation c.1290dupT).
Protein change: p.Arg431fs; shifts the reading frame from arginine 431.
Molecular consequence: frameshift variant.
Genome position (GRCh38, 1-based): chr2:69,338,479, A duplicated on the plus strand (T on the coding strand, the reverse complement: GFPT1 is on the minus strand); the first of 3 consecutive A bases (chr2:69,338,479-69,338,481); duplicating any one gives the same sequence. VCF-style (leftmost placement, unchanged base first): chr2-69338478-G-GA. GRCh37 (hg19) VCF-style: chr2-69565610-G-GA.
Other names: c.1236dup, p.Arg413fs (NM_002056.4); short protein forms R413fs, R431fs.
Identifiers: ClinVar variation 1070689 (VCV001070689.7), dbSNP rs2104617143, ClinGen allele CA2499216185.

ClinVar aggregate classification (germline): Pathogenic (1 of 4 stars; one submission).

Conditions:
Congenital myasthenic syndrome 12 (CMS12). Also called: MYASTHENIC SYNDROME, CONGENITAL, WITH TUBULAR AGGREGATES 1; Myasthenia, congenital, 12, with tubular aggregates. Identifiers: Orphanet 353327, Orphanet 590, MedGen C3552335, MONDO:0012518, OMIM 610542.

Submission:

Labcorp Genetics (formerly Invitae), Labcorp
Classification: Pathogenic for Congenital myasthenic syndrome 12. Last evaluated: 2020-08-20. Review status: criteria provided, single submitter. Criteria: Invitae Variant Classification Sherloc (09022015). Collection method: clinical testing. Allele origin: germline.
Comment: This sequence change creates a premature translational stop signal (p.Arg431Serfs*3) in the GFPT1 gene. It is expected to result in an absent or disrupted protein product. This variant is not present in population databases (ExAC no frequency). This variant has not been reported in the literature in individuals with GFPT1-related conditions. Loss-of-function variants in GFPT1 are known to be pathogenic (PMID: 23794683). For these reasons, this variant has been classified as Pathogenic.

Literature cited by the submitters: PubMed 23794683.